The following is an entry in ClinVar:

NM_004333.6(BRAF):c.305C>T (p.Ser102Phe)

Gene: BRAF (B-Raf proto-oncogene, serine/threonine kinase; minus strand). Cytogenetic location: 7q34.
Variant type: single nucleotide variant.
Coding change: c.305C>T on transcript NM_004333.6 (MANE Select); coding-DNA position 305, C replaced by T.
Protein change: p.Ser102Phe; replaces serine 102 with phenylalanine.
Molecular consequence: missense variant. On other transcripts: intron variant (1).
Genome position (GRCh38, 1-based): chr7:140,834,808, G>A on the plus strand (C>T on the coding strand, the complement: BRAF is on the minus strand). VCF-style: chr7-140834808-G-A. GRCh37 (hg19) VCF-style: chr7-140534608-G-A.
Other names: c.305C>T, p.Ser102Phe (NM_001354609.2, NM_001374244.1, NM_001374258.1 and 5 more transcripts); c.203C>T, p.Ser68Phe (NM_001378470.1); c.149C>T, p.Ser50Phe (NM_001378472.1, NM_001378473.1); c.240+15303C>T (NM_001378475.1); short protein forms S50F, S68F, S102F.
Identifiers: ClinVar variation 1799345 (VCV001799345.9), dbSNP rs774142136, ClinGen allele CA369593824.

ClinVar aggregate classification (germline): Uncertain significance. Review status: criteria provided, multiple submitters, no conflicts (2 of 4 stars). 4 submissions from 4 submitters: Uncertain significance (4). Last evaluated 2025-06-09.

Conditions:
BRAF-related disorder. Also called: BRAF-related condition.
Cardiovascular phenotype. Identifiers: MedGen CN230736.
RASopathy. Also called: Noonan spectrum disorder; rasopathies. Identifiers: Orphanet 536391, MedGen C5555857, MONDO:0021060.

Allele frequency attached by ClinVar (database versions not stated): gnomAD 0.00001.
gnomAD v4.1: 4 of 1,614,022 alleles (0.00025%); highest among the groups gnomAD compares: Admixed American, 0.0067%; no homozygotes.

Submissions (4):

Labcorp Genetics (formerly Invitae), Labcorp
Classification: Uncertain significance for RASopathy. Last evaluated: 2025-06-09. Review status: criteria provided, single submitter. Criteria: Invitae Variant Classification Sherloc (09022015). Collection method: clinical testing. Allele origin: germline.
Comment: This sequence change replaces serine, which is neutral and polar, with phenylalanine, which is neutral and non-polar, at codon 102 of the BRAF protein (p.Ser102Phe). This variant is present in population databases (no rsID available, gnomAD 0.006%). This variant has not been reported in the literature in individuals affected with BRAF-related conditions. ClinVar contains an entry for this variant (Variation ID: 1799345). Invitae Evidence Modeling of protein sequence and biophysical properties (such as structural, functional, and spatial information, amino acid conservation, physicochemical variation, residue mobility, and thermodynamic stability) indicates that this missense variant is expected to disrupt BRAF protein function with a positive predictive value of 95%. In summary, the available evidence is currently insufficient to determine the role of this variant in disease. Therefore, it has been classified as a Variant of Uncertain Significance.

PreventionGenetics, part of Exact Sciences
Classification: Uncertain significance for BRAF-related condition. Last evaluated: 2023-09-12. Review status: criteria provided, single submitter. Criteria: ACMG Guidelines, 2015. Collection method: clinical testing. Allele origin: germline.
Comment: The BRAF c.305C>T variant is predicted to result in the amino acid substitution p.Ser102Phe. To our knowledge, this variant has not been reported in the literature. This variant is reported in 0.0058% of alleles in individuals of Latino descent in gnomAD. At this time, the clinical significance of this variant is uncertain due to the absence of conclusive functional and genetic evidence.

GeneDx
Classification: Uncertain significance. Last evaluated: 2023-05-02. Review status: criteria provided, single submitter. Criteria: GeneDx Variant Classification Process June 2021. Collection method: clinical testing. Allele origin: germline. Affected: yes.
Comment: Has not been previously published as pathogenic or benign to our knowledge; In silico analysis supports that this missense variant does not alter protein structure/function; Missense variants in this gene are often considered pathogenic (HGMD)

Ambry Genetics
Classification: Uncertain significance for Cardiovascular phenotype. Last evaluated: 2021-08-31. Review status: criteria provided, single submitter. Criteria: Ambry Variant Classification Scheme 2023. Collection method: clinical testing. Allele origin: germline.
Comment: The p.S102F variant (also known as c.305C>T), located in coding exon 3 of the BRAF gene, results from a C to T substitution at nucleotide position 305. The serine at codon 102 is replaced by phenylalanine, an amino acid with highly dissimilar properties. This amino acid position is conserved. In addition, the in silico prediction for this alteration is inconclusive. Since supporting evidence is limited at this time, the clinical significance of this alteration remains unclear.